The following is an entry in ClinVar:

ClinVar aggregate classification (germline): Uncertain significance (1 of 4 stars; one submission).

Conditions:
Neurofibromatosis, type 1 (NF1). Also called: Neurofibromatosis, type I; Peripheral type neurofibromatosis; NEUROFIBROMATOSIS, TYPE I, SOMATIC; VON RECKLINGHAUSEN DISEASE. Identifiers: Orphanet 636, MedGen C0027831, MONDO:0018975, OMIM 162200. Disease mechanism: loss of function.

Submission:

Labcorp Genetics (formerly Invitae), Labcorp
Classification: Uncertain significance for Neurofibromatosis, type 1. Last evaluated: 2022-05-16. Review status: criteria provided, single submitter. Criteria: Invitae Variant Classification Sherloc (09022015). Collection method: clinical testing. Allele origin: germline.
Comment: This variant is not present in population databases (gnomAD no frequency). In summary, the available evidence is currently insufficient to determine the role of this variant in disease. Therefore, it has been classified as a Variant of Uncertain Significance. Algorithms developed to predict the effect of missense changes on protein structure and function are either unavailable or do not agree on the potential impact of this missense change (SIFT: "Deleterious"; PolyPhen-2: "Benign"; Align-GVGD: "Class C0"). This variant has not been reported in the literature in individuals affected with NF1-related conditions. This sequence change replaces methionine, which is neutral and non-polar, with valine, which is neutral and non-polar, at codon 1552 of the NF1 protein (p.Met1552Val).

NM_001042492.3(NF1):c.4717A>G (p.Met1573Val)

Gene: NF1 (neurofibromin 1; plus strand). Cytogenetic location: 17q11.2.
Variant type: single nucleotide variant.
Coding change: c.4717A>G on transcript NM_001042492.3 (MANE Select); coding-DNA position 4717, A replaced by G.
Protein change: p.Met1573Val; replaces methionine 1573 with valine.
Molecular consequence: missense variant.
Genome position (GRCh38, 1-based): chr17:31,261,850, A>G. VCF-style: chr17-31261850-A-G. GRCh37 (hg19) VCF-style: chr17-29588868-A-G.
Other names: c.4654A>G, p.Met1552Val (NM_000267.4); short protein forms M1573V, M1552V.
Identifiers: ClinVar variation 1995038 (VCV001995038.4), dbSNP rs2151466528, ClinGen allele CA399000656.
Genomic context (GRCh38, chr17:31,261,850, plus strand): 5'-CCTGTGGCAGATACACACTGGTCCAGCCTTAACCTTACCAGTTCAAAGTTTGAGGAATTT[A>G]TGACTAGGTAAAGTACAACCTTGAAATAGTTGATTGCTTTCTTTTTGGTTGAGAAGGAGA-3'
Protein context (NP_001035957.1, residues 1563-1583): NLTSSKFEEF[Met1573Val]TRHQVHEKEE